The following is an entry in ClinVar:

ClinVar aggregate classification (germline): Conflicting classifications of pathogenicity. Review status: criteria provided, conflicting classifications (1 of 4 stars). 2 submissions from 2 submitters: Uncertain significance (1); Likely benign (1). Last evaluated 2023-12-12.

Conditions:
Inborn genetic diseases. Identifiers: MedGen C0950123, MeSH D030342.
Glycogen storage disease IXa1. Also called: GLYCOGEN STORAGE DISEASE VIII; GSD VIII; Glycogen storage disease 8; LIVER GLYCOGENOSIS, X-LINKED, TYPE I. Identifiers: Orphanet 264580, MedGen C3694531, MONDO:0010598, OMIM 306000.

Allele frequency attached by ClinVar (database versions not stated): 1000 Genomes Project 30x 0.00021; 1000 Genomes Project 0.00026.
gnomAD v4.1: 2 of 1,209,378 alleles (0.00017%); highest among the groups gnomAD compares: East Asian, 0.003%; no homozygotes.

Submissions (2):

Ambry Genetics
Classification: Likely benign for Inborn genetic diseases. Last evaluated: 2023-12-12. Review status: criteria provided, single submitter. Criteria: Ambry Variant Classification Scheme 2023. Collection method: clinical testing. Allele origin: germline.

Labcorp Genetics (formerly Invitae), Labcorp
Classification: Uncertain significance for Glycogen storage disease IXa1. Last evaluated: 2021-11-24. Review status: criteria provided, single submitter. Criteria: Invitae Variant Classification Sherloc (09022015). Collection method: clinical testing. Allele origin: germline.
Comment: This sequence change replaces isoleucine, which is neutral and non-polar, with methionine, which is neutral and non-polar, at codon 1058 of the PHKA2 protein (p.Ile1058Met). This variant is present in population databases (rs750028556, gnomAD 0.02%). This variant has not been reported in the literature in individuals affected with PHKA2-related conditions. Algorithms developed to predict the effect of missense changes on protein structure and function output the following: SIFT: "Tolerated"; PolyPhen-2: "Benign"; Align-GVGD: "Class C0". The methionine amino acid residue is found in multiple mammalian species, which suggests that this missense change does not adversely affect protein function. In summary, the available evidence is currently insufficient to determine the role of this variant in disease. Therefore, it has been classified as a Variant of Uncertain Significance.

NM_000292.3(PHKA2):c.3174C>G (p.Ile1058Met)

Gene: PHKA2 (phosphorylase kinase regulatory subunit alpha 2; minus strand). Cytogenetic location: Xp22.13.
Variant type: single nucleotide variant.
Coding change: c.3174C>G on transcript NM_000292.3 (MANE Select); coding-DNA position 3174, C replaced by G.
Protein change: p.Ile1058Met; replaces isoleucine 1058 with methionine.
Molecular consequence: missense variant.
Genome position (GRCh38, 1-based): chrX:18,897,271, G>C on the plus strand (C>G on the coding strand, the complement: PHKA2 is on the minus strand). VCF-style: chrX-18897271-G-C. GRCh37 (hg19) VCF-style: chrX-18915389-G-C.
Other names: c.3174C>G (NM_000292.2); short protein forms I1058M.
Identifiers: ClinVar variation 2161034 (VCV002161034.5), dbSNP rs750028556, ClinGen allele CA327028893.